The following is an entry in ClinVar:

NM_001123385.2(BCOR):c.3155A>C (p.Glu1052Ala)

Gene: BCOR (BCL6 corepressor; minus strand). Cytogenetic location: Xp11.4.
Variant type: single nucleotide variant.
Coding change: c.3155A>C on transcript NM_001123385.2 (MANE Select); coding-DNA position 3155, A replaced by C.
Protein change: p.Glu1052Ala; replaces glutamic acid 1052 with alanine.
Molecular consequence: missense variant.
Genome position (GRCh38, 1-based): chrX:40,071,056, T>G on the plus strand (A>C on the coding strand, the complement: BCOR is on the minus strand). VCF-style: chrX-40071056-T-G. GRCh37 (hg19) VCF-style: chrX-39930309-T-G.
Other names: c.3155A>C, p.Glu1052Ala (NM_001123383.2, NM_017745.6); c.3101A>C, p.Glu1034Ala (NM_001123384.2); short protein forms E1034A, E1052A.
Identifiers: ClinVar variation 2429512 (VCV002429512.1), dbSNP rs1390961815, ClinGen allele CA412740597.
Genomic context (GRCh38, chrX:40,071,056, plus strand): 5'-GCAATGGCCTCCTCCAGGGTGACCGACTTTGGCTTTTTGTCCTGATTTCCTTTCAACCTT[T>G]CCCAGTCGGCTGGGCTGAATTTGCACATCTCGGAGTCTTTGGTTGCTGGGTGGCCACCTT-3'
Protein context (NP_001116857.1, residues 1042-1062): EMCKFSPADW[Glu1052Ala]RLKGNQDKKP

ClinVar aggregate classification (germline): Uncertain significance (1 of 4 stars; one submission).

Allele frequency attached by ClinVar (database versions not stated): gnomAD exomes below 0.00001; TOPMed 0.00001; gnomAD 0.00003.
gnomAD v4.1: 4 of 1,209,492 alleles (0.00033%); highest among the groups gnomAD compares: African/African-American, 0.0018%; no homozygotes.

Submission:

GeneDx
Classification: Uncertain significance. Last evaluated: 2022-08-08. Review status: criteria provided, single submitter. Criteria: GeneDx Variant Classification Process June 2021. Collection method: clinical testing. Allele origin: germline. Affected: yes.
Comment: Not observed at significant frequency in large population cohorts (gnomAD); In silico analysis supports that this missense variant has a deleterious effect on protein structure/function; Has not been previously published as pathogenic or benign to our knowledge